The following is an entry in ClinVar:

ClinVar aggregate classification (germline): Uncertain significance (1 of 4 stars; one submission).

Conditions:
Inborn genetic diseases. Identifiers: MedGen C0950123, MeSH D030342.

Submission:

Ambry Genetics
Classification: Uncertain significance for Inborn genetic diseases. Last evaluated: 2026-08-28. Review status: criteria provided, single submitter. Criteria: Ambry Variant Classification Scheme 2023. Collection method: clinical testing. Allele origin: germline.
Comment: The p.L178P variant (also known as c.533T>C), located in coding exon 3 of the KDM1A gene, results from a T to C substitution at nucleotide position 533. The leucine at codon 178 is replaced by proline, an amino acid with similar properties. This amino acid position is conserved. In addition, this alteration is predicted to be tolerated by in silico analysis. Based on the available evidence, the clinical significance of this variant remains unclear.

NM_001009999.3(KDM1A):c.533T>C (p.Leu178Pro)

Gene: KDM1A (lysine demethylase 1A; plus strand). Cytogenetic location: 1p36.12.
Variant type: single nucleotide variant.
Coding change: c.533T>C on transcript NM_001009999.3 (MANE Select); coding-DNA position 533, T replaced by C.
Protein change: p.Leu178Pro; replaces leucine 178 with proline.
Molecular consequence: missense variant. On other transcripts: intron variant (3).
Genome position (GRCh38, 1-based): chr1:23,044,442, T>C. VCF-style: chr1-23044442-T-C. GRCh37 (hg19) VCF-style: chr1-23370935-T-C.
Other names: c.533T>C, p.Leu178Pro (NM_001410762.1); c.518-5945T>C (NM_001363654.2, NM_001410763.1, NM_015013.4); short protein forms L178P.
Identifiers: ClinVar variation 5023102 (VCV005023102.1).
Genomic context (GRCh38, chr1:23,044,442, plus strand): 5'-AATTTATGGAGTAAGGTCCCTGAGTTCTCCTCTTTCCTTCCACAGGGCAAGCAGGAGGAC[T>C]TCAAGACGACAGTTCTGGAGGGTATGGAGACGGCCAAGCATCAGGTGAGGGTGGCATTAG-3'
Protein context (NP_001009999.1, residues 168-188): PEEPSGQAGG[Leu178Pro]QDDSSGGYGD